The following is an entry in ClinVar:

ClinVar aggregate classification (germline): Uncertain significance (1 of 4 stars; one submission).

Conditions:
Hereditary sensory and autonomic neuropathy type 6. Also called: Neuropathy, hereditary sensory and autonomic, type VI; HSAN VI. Identifiers: Orphanet 314381, MedGen C3539003, MONDO:0013839, OMIM 614653.
Epidermolysis bullosa simplex 3, localized or generalized intermediate, with BP230 deficiency (EBS3). Also called: Epidermolysis bullosa simplex due to BP230 deficiency; Epidermolysis bullosa simplex, autosomal recessive 2. Identifiers: Orphanet 412181, MedGen C3809470, MONDO:0014180, OMIM 615425.

Allele frequency attached by ClinVar (database versions not stated): gnomAD exomes below 0.00001 and 0.00001; gnomAD 0.00001.
gnomAD v4.1: 5 of 1,594,478 alleles (0.00031%); highest among the groups gnomAD compares: Non-Finnish European, 0.000085%; no homozygotes.

Submission:

Labcorp Genetics (formerly Invitae), Labcorp
Classification: Uncertain significance for Epidermolysis bullosa simplex 3, localized or generalized intermediate, with BP230 deficiency; Hereditary sensory and autonomic neuropathy type 6. Last evaluated: 2021-11-16. Review status: criteria provided, single submitter. Criteria: Invitae Variant Classification Sherloc (09022015). Collection method: clinical testing. Allele origin: germline.
Comment: The DST gene has multiple clinically relevant transcripts. This variant occurs in alternate transcript NM_015548.4, and corresponds to NM_001723.5:c.*113839G>A in the primary transcript. This sequence change replaces alanine, which is neutral and non-polar, with threonine, which is neutral and polar, at codon 3905 of the DST protein (p.Ala3905Thr). This variant is present in population databases (rs751076112, gnomAD 0.004%). This variant has not been reported in the literature in individuals affected with DST-related conditions. Experimental studies and prediction algorithms are not available or were not evaluated, and the functional significance of this variant is currently unknown. In summary, the available evidence is currently insufficient to determine the role of this variant in disease. Therefore, it has been classified as a Variant of Uncertain Significance.

NM_001374736.1(DST):c.19582G>A (p.Ala6528Thr)

Gene: DST (dystonin; minus strand). Cytogenetic location: 6p12.1.
Variant type: single nucleotide variant.
Coding change: c.19582G>A on transcript NM_001374736.1 (MANE Select); coding-DNA position 19582, G replaced by A.
Protein change: p.Ala6528Thr; replaces alanine 6528 with threonine.
Molecular consequence: missense variant.
Genome position (GRCh38, 1-based): chr6:56,501,678, C>T on the plus strand (G>A on the coding strand, the complement: DST is on the minus strand). VCF-style: chr6-56501678-C-T. GRCh37 (hg19) VCF-style: chr6-56366476-C-T.
Other names: c.13225G>A, p.Ala4409Thr (NM_001144769.5); c.12811G>A, p.Ala4271Thr (NM_001144770.2); c.19582G>A, p.Ala6528Thr (NM_001374722.1); c.18622G>A, p.Ala6208Thr (NM_001374729.1); c.12364G>A, p.Ala4122Thr (NM_001374730.1); c.19609G>A, p.Ala6537Thr (NM_001374734.1); c.12691G>A, p.Ala4231Thr (NM_001386100.1, NM_183380.4); c.11713G>A, p.Ala3905Thr (NM_015548.5); short protein forms A4122T, A4409T, A4271T, A6528T, A6537T, A3905T, A4231T, A6208T.
Identifiers: ClinVar variation 1507723 (VCV001507723.3), dbSNP rs751076112, ClinGen allele CA139193288.